The following is an entry in ClinVar:

NM_001377.3(DYNC2H1):c.5334+202T>G

Gene: DYNC2H1 (dynein cytoplasmic 2 heavy chain 1; plus strand). Cytogenetic location: 11q22.3.
Variant type: single nucleotide variant.
Coding change: c.5334+202T>G on transcript NM_001377.3 (MANE Select); 202 bases into the intron after coding-DNA position 5334, T replaced by G.
Molecular consequence: intron variant.
Genome position (GRCh38, 1-based): chr11:103,171,270, T>G. VCF-style: chr11-103171270-T-G. GRCh37 (hg19) VCF-style: chr11-103041999-T-G.
Other names: c.5334+202T>G (NM_001080463.2).
Identifiers: ClinVar variation 667713 (VCV000667713.1), dbSNP rs12286383, ClinGen allele CA13448211.

ClinVar aggregate classification (germline): Benign (1 of 4 stars; one submission).

Allele frequency attached by ClinVar (database versions not stated): 1000 Genomes Project 30x 0.05715; 1000 Genomes Project 0.05032; TOPMed 0.06207.
gnomAD v4.1: 8,318 of 151,996 alleles (5.5%); highest among the groups gnomAD compares: African/African-American, 13%; 421 homozygotes.

Submission:

GeneDx
Classification: Benign. Last evaluated: 2018-06-14. Review status: criteria provided, single submitter. Criteria: GeneDx Variant Classification (06012015). Collection method: clinical testing. Allele origin: germline. Affected: yes.
Comment: This variant is considered likely benign or benign based on one or more of the following criteria: it is a conservative change, it occurs at a poorly conserved position in the protein, it is predicted to be benign by multiple in silico algorithms, and/or has population frequency not consistent with disease.